The following is an entry in ClinVar:

ClinVar aggregate classification (germline): Benign/Likely benign. Review status: criteria provided, multiple submitters, no conflicts (2 of 4 stars). 8 submissions from 8 submitters: Benign (3); Likely benign (4). 1 of the submissions does not count toward it. Last evaluated 2026-02-01.

Conditions:
COL6A2-related disorder.
Myosclerosis. Also called: MYOPATHY, MYOSCLEROTIC; MYOSCLEROSIS, CONGENITAL, OF LOWENTHAL; Myosclerosis, congenital. Identifiers: Orphanet 289380, MedGen C1850671, MONDO:0009714, OMIM 255600.
Ullrich congenital muscular dystrophy 1A. Also called: Ullrich congenital muscular dystrophy 1; Intermediate COL6-RD. Identifiers: Orphanet 75840, MedGen C0410179, MONDO:0009681, OMIM 254090.
Bethlem myopathy 1A. Also called: MYOPATHY, BENIGN CONGENITAL, WITH CONTRACTURES; Bethlem myopathy 1; Bethlem Muscular Dystrophy. Identifiers: Orphanet 610, MedGen CN029274, MONDO:0024530, OMIM 158810.
Collagen 6-related myopathy. Identifiers: MedGen CN117976, MONDO:0100225.

Allele frequency attached by ClinVar (database versions not stated): TOPMed 0.00099; ESP Exome Variant Server 0.00146.
gnomAD v4.1: 1,950 of 1,611,942 alleles (0.12%); highest among the groups gnomAD compares: Middle Eastern, 0.44%; 14 homozygotes.

Submissions (8):

CeGaT Center for Human Genetics Tuebingen
Classification: Likely benign. Last evaluated: 2026-02-01. Review status: criteria provided, single submitter. Criteria: CeGaT Center For Human Genetics Tuebingen Variant Classification Criteria Version 2. Collection method: clinical testing. Allele origin: germline. Affected: yes. Observed: 7 variant alleles.
Comment: COL6A2: BP4, BP7

Labcorp Genetics (formerly Invitae), Labcorp
Classification: Likely benign for Bethlem myopathy 1A. Last evaluated: 2026-01-19. Review status: criteria provided, single submitter. Criteria: Invitae Variant Classification Sherloc (09022015). Collection method: clinical testing. Allele origin: germline.

Fulgent Genetics
Classification: Likely benign for Bethlem myopathy 1A; Ullrich congenital muscular dystrophy 1A; Myosclerosis. Last evaluated: 2022-05-23. Review status: criteria provided, single submitter. Criteria: ACMG Guidelines, 2015. Collection method: clinical testing. Allele origin: unknown.

GeneDx
Classification: Benign. Last evaluated: 2018-02-26. Review status: criteria provided, single submitter. Criteria: GeneDx Variant Classification (06012015). Collection method: clinical testing. Allele origin: germline. Affected: yes.
Comment: This variant is considered likely benign or benign based on one or more of the following criteria: it is a conservative change, it occurs at a poorly conserved position in the protein, it is predicted to be benign by multiple in silico algorithms, and/or has population frequency not consistent with disease.

Illumina Laboratory Services, Illumina
Classification: Benign for Collagen VI-related myopathy. Last evaluated: 2018-01-13. Review status: criteria provided, single submitter. Criteria: ICSL Variant Classification Criteria 13 December 2019. Collection method: clinical testing. Allele origin: germline.
Comment: This variant was observed in the ICSL laboratory as part of a predisposition screen in an ostensibly healthy population. It had not been previously curated by ICSL or reported in the Human Gene Mutation Database (HGMD: prior to June 1st, 2018), and was therefore a candidate for classification through an automated scoring system. Utilizing variant allele frequency, disease prevalence and penetrance estimates, and inheritance mode, an automated score was calculated to assess if this variant is too frequent to cause the disease. Based on the score and internal cut-off values, a variant classified as benign is not then subjected to further curation. The score for this variant resulted in a classification of benign for this disease.

Eurofins Ntd Llc (ga)
Classification: Benign. Last evaluated: 2016-03-01. Review status: criteria provided, single submitter. Criteria: EGL Classification Definitions 2015. Collection method: clinical testing. Allele origin: germline. Observed: 10 variant alleles, 10 heterozygotes.

Breakthrough Genomics
Classification: Likely benign. Review status: criteria provided, single submitter. Criteria: ACMG Guidelines, 2015. Collection method: not provided. Allele origin: germline. Inheritance: Autosomal recessive inheritance. Affected: yes.

PreventionGenetics, part of Exact Sciences
Classification: Benign for COL6A2-related condition. Last evaluated: 2020-03-03. Review status: no assertion criteria provided. Collection method: clinical testing. Allele origin: germline. Not counted in ClinVar's aggregate classification.
Comment: This variant is classified as benign based on ACMG/AMP sequence variant interpretation guidelines (Richards et al. 2015 PMID: 25741868, with internal and published modifications).

NM_001849.4(COL6A2):c.1251C>T (p.Arg417=)

Gene: COL6A2 (collagen type VI alpha 2 chain; plus strand). Cytogenetic location: 21q22.3.
Variant type: single nucleotide variant.
Coding change: c.1251C>T on transcript NM_001849.4 (MANE Select); coding-DNA position 1251, C replaced by T.
Protein change: p.Arg417=; no amino-acid change (arginine 417 retained).
Molecular consequence: synonymous variant.
Genome position (GRCh38, 1-based): chr21:46,119,101, C>T. VCF-style: chr21-46119101-C-T. GRCh37 (hg19) VCF-style: chr21-47539015-C-T.
Other names: c.1251C>T, p.Arg417= (NM_058174.3, NM_058175.3).
Identifiers: ClinVar variation 93904 (VCV000093904.57), dbSNP rs61735827, ClinGen allele CA221810.